The following is an entry in ClinVar:

ClinVar aggregate classification (germline): Uncertain significance (1 of 4 stars; one submission).

Conditions:
Hereditary pancreatitis (PCTT). Also called: Hereditary chronic pancreatitis; PRSS1-Related Hereditary Pancreatitis. Identifiers: Orphanet 676, MedGen C0238339, MONDO:0008185, OMIM 167800.

Allele frequency attached by ClinVar (database versions not stated): gnomAD exomes below 0.00001.
gnomAD v4.1: 1 of 1,613,732 alleles (0.000062%); highest among the groups gnomAD compares: Non-Finnish European, 0.000085%; no homozygotes.

Submission:

Ambry Genetics
Classification: Uncertain significance for Hereditary pancreatitis. Last evaluated: 2017-06-28. Review status: criteria provided, single submitter. Criteria: Ambry Variant Classification Scheme 2023. Collection method: clinical testing. Allele origin: germline.
Comment: The p.L9P variant (also known as c.26T>C), located in coding exon 1 of the SPINK1 gene, results from a T to C substitution at nucleotide position 26. The leucine at codon 9 is replaced by proline, an amino acid with similar properties. This amino acid position is highly conserved in available vertebrate species. In addition, this alteration is predicted to be deleterious by in silico analysis. Since supporting evidence is limited at this time, the clinical significance of this alteration remains unclear.

NM_001379610.1(SPINK1):c.26T>C (p.Leu9Pro)

Gene: SPINK1 (serine peptidase inhibitor Kazal type 1; minus strand). Cytogenetic location: 5q32.
Variant type: single nucleotide variant.
Coding change: c.26T>C on transcript NM_001379610.1 (MANE Select); coding-DNA position 26, T replaced by C.
Protein change: p.Leu9Pro; replaces leucine 9 with proline.
Molecular consequence: missense variant.
Genome position (GRCh38, 1-based): chr5:147,831,552, A>G on the plus strand (T>C on the coding strand, the complement: SPINK1 is on the minus strand). VCF-style: chr5-147831552-A-G. GRCh37 (hg19) VCF-style: chr5-147211115-A-G.
Other names: c.26T>C, p.Leu9Pro (NM_001354966.2, NM_003122.5); short protein forms L9P.
Identifiers: ClinVar variation 1794916 (VCV001794916.2), dbSNP rs2480208468, ClinGen allele CA361885537.